The following is an entry in ClinVar:

NM_000322.5(PRPH2):c.961G>A (p.Glu321Lys)

Gene: PRPH2 (peripherin 2; minus strand). Cytogenetic location: 6p21.1.
Variant type: single nucleotide variant.
Coding change: c.961G>A on transcript NM_000322.5 (MANE Select); coding-DNA position 961, G replaced by A.
Protein change: p.Glu321Lys; replaces glutamic acid 321 with lysine.
Molecular consequence: missense variant.
Genome position (GRCh38, 1-based): chr6:42,698,375, C>T on the plus strand (G>A on the coding strand, the complement: PRPH2 is on the minus strand). VCF-style: chr6-42698375-C-T. GRCh37 (hg19) VCF-style: chr6-42666113-C-T.
Other names: short protein forms E321K.
Identifiers: ClinVar variation 5000447 (VCV005000447.1).
Genomic context (GRCh38, chr6:42,698,375, plus strand): 5'-GGCCTGCGTCTGCGCCCTCGGCTTCCACCTGGTTGCCCTTGCCCAGCTTCTTCACACTCT[C>T]CAGAAAGGCCTTCCAGGTCTCCGGCACGCTCCTCTCCAGCAGCCAGCCCTGGCTCTCGCT-3'
Protein context (NP_000313.2, residues 311-331): SVPETWKAFL[Glu321Lys]SVKKLGKGNQ

ClinVar aggregate classification (germline): Uncertain significance (1 of 4 stars; one submission).

Conditions:
PRPH2-related disorder. Also called: PRPH2-related disorders; PRPH2-related condition. Identifiers: MedGen CN239395.

gnomAD v4.1: 9 of 1,613,908 alleles (0.00056%); highest among the groups gnomAD compares: Non-Finnish European, 0.00076%; no homozygotes.

Submission:

PreventionGenetics, part of Exact Sciences
Classification: Uncertain significance for PRPH2-related condition. Last evaluated: 2025-07-14. Review status: criteria provided, single submitter. Criteria: ACMG Guidelines, 2015. Collection method: clinical testing. Allele origin: germline.
Comment: The PRPH2 c.961G>A variant is predicted to result in the amino acid substitution p.Glu321Lys. To our knowledge, this variant has not been reported in the literature. This variant is reported in 0.00088% of alleles in individuals of European (Non-Finnish) descent in gnomAD. At this time, the clinical significance of this variant is uncertain due to the absence of conclusive functional and genetic evidence.